The following is an entry in ClinVar:

NM_025193.4(HSD3B7):c.637G>A (p.Gly213Arg)

Gene: HSD3B7 (hydroxy-delta-5-steroid dehydrogenase, 3 beta- and steroid delta-isomerase 7; plus strand). Cytogenetic location: 16p11.2.
Variant type: single nucleotide variant.
Coding change: c.637G>A on transcript NM_025193.4 (MANE Select); coding-DNA position 637, G replaced by A.
Protein change: p.Gly213Arg; replaces glycine 213 with arginine.
Molecular consequence: missense variant. On other transcripts: intron variant (2).
Genome position (GRCh38, 1-based): chr16:30,986,945, G>A. VCF-style: chr16-30986945-G-A. GRCh37 (hg19) VCF-style: chr16-30998266-G-A.
Other names: p.Gly213Arg; c.531+241G>A (NM_001142777.2, NM_001142778.2); c.637G>A (NM_025193.3); short protein forms G213R.
Identifiers: ClinVar variation 198266 (VCV000198266.13), dbSNP rs143434186, ClinGen allele CA246819.

ClinVar aggregate classification (germline): Uncertain significance. Review status: criteria provided, multiple submitters, no conflicts (2 of 4 stars). 6 submissions from 6 submitters: Uncertain significance (5). 1 of the submissions does not count toward it. Last evaluated 2025-08-15.

Conditions:
HSD3B7-related disorder. Also called: HSD3B7-related condition.
Inborn genetic diseases. Identifiers: MedGen C0950123, MeSH D030342.

Allele frequency attached by ClinVar (database versions not stated): ExAC 0.00010; gnomAD 0.00033 and 0.00035; gnomAD exomes 0.00012 and 0.00004; ESP Exome Variant Server 0.00023; TOPMed 0.00042; 1000 Genomes Project 30x 0.00094; 1000 Genomes Project 0.00100.
gnomAD v4.1: 122 of 1,613,664 alleles (0.0076%); highest among the groups gnomAD compares: African/African-American, 0.13%; 1 homozygote.

Submissions (6):

Mayo Clinic Laboratories, Mayo Clinic
Classification: Uncertain significance. Last evaluated: 2025-08-15. Review status: criteria provided, single submitter. Criteria: ACMG Guidelines, 2015. Collection method: clinical testing. Allele origin: germline. Observed: 1 variant allele.
Comment: BS1

Ambry Genetics
Classification: Uncertain significance for Inborn genetic diseases. Last evaluated: 2024-09-04. Review status: criteria provided, single submitter. Criteria: Ambry Variant Classification Scheme 2023. Collection method: clinical testing. Allele origin: germline.

Labcorp Genetics (formerly Invitae), Labcorp
Classification: Uncertain significance. Last evaluated: 2022-05-31. Review status: criteria provided, single submitter. Criteria: Invitae Variant Classification Sherloc (09022015). Collection method: clinical testing. Allele origin: germline.
Comment: This sequence change replaces glycine, which is neutral and non-polar, with arginine, which is basic and polar, at codon 213 of the HSD3B7 protein (p.Gly213Arg). This variant is present in population databases (rs143434186, gnomAD 0.1%). This variant has not been reported in the literature in individuals affected with HSD3B7-related conditions. ClinVar contains an entry for this variant (Variation ID: 198266). Algorithms developed to predict the effect of missense changes on protein structure and function are either unavailable or do not agree on the potential impact of this missense change (SIFT: "Tolerated"; PolyPhen-2: "Possibly Damaging"; Align-GVGD: "Class C0"). Algorithms developed to predict the effect of sequence changes on RNA splicing suggest that this variant may create or strengthen a splice site. In summary, the available evidence is currently insufficient to determine the role of this variant in disease. Therefore, it has been classified as a Variant of Uncertain Significance.

Eurofins Ntd Llc (ga)
Classification: Uncertain significance. Last evaluated: 2017-08-15. Review status: criteria provided, single submitter. Criteria: EGL Classification Definitions 2015. Collection method: clinical testing. Allele origin: germline. Observed: 5 variant alleles, 5 heterozygotes.

Breakthrough Genomics
Classification: Uncertain significance. Review status: criteria provided, single submitter. Criteria: ACMG Guidelines, 2015. Collection method: not provided. Allele origin: germline. Inheritance: Autosomal recessive inheritance. Affected: yes.

PreventionGenetics, part of Exact Sciences
Classification: Uncertain significance for HSD3B7-related condition. Last evaluated: 2024-09-04. Review status: no assertion criteria provided. Collection method: clinical testing. Allele origin: germline. Not counted in ClinVar's aggregate classification.
Comment: The HSD3B7 c.637G>A variant is predicted to result in the amino acid substitution p.Gly213Arg. To our knowledge, this variant has not been reported in the literature. This variant is reported in 0.12% of alleles in individuals of African descent in gnomAD. Although we suspect that this variant may be benign, at this time, the clinical significance of this variant is uncertain due to the absence of conclusive functional and genetic evidence.